The following is an entry in ClinVar:

NM_000321.3(RB1):c.187A>C (p.Lys63Gln)

Gene: RB1 (RB transcriptional corepressor 1; plus strand). Cytogenetic location: 13q14.2.
Variant type: single nucleotide variant.
Coding change: c.187A>C on transcript NM_000321.3 (MANE Select); coding-DNA position 187, A replaced by C.
Protein change: p.Lys63Gln; replaces lysine 63 with glutamine.
Molecular consequence: missense variant.
Genome position (GRCh38, 1-based): chr13:48,307,329, A>C. VCF-style: chr13-48307329-A-C. GRCh37 (hg19) VCF-style: chr13-48881465-A-C.
Other names: c.187A>C, p.Lys63Gln (NM_001407165.1, NM_001407166.1, NM_001407167.1); short protein forms K63Q.
Identifiers: ClinVar variation 3943348 (VCV003943348.1).

ClinVar aggregate classification (germline): Uncertain significance (1 of 4 stars; one submission).

Conditions:
Hereditary cancer-predisposing syndrome. Also called: Tumor predisposition; Hereditary neoplastic syndrome; Hereditary Cancer Syndrome; Neoplastic Syndromes, Hereditary. Identifiers: Orphanet 140162, MedGen C0027672, MeSH D009386, MONDO:0015356.

Submission:

Ambry Genetics
Classification: Uncertain significance for Hereditary cancer-predisposing syndrome. Last evaluated: 2025-04-16. Review status: criteria provided, single submitter. Criteria: Ambry Variant Classification Scheme 2023. Collection method: clinical testing. Allele origin: germline.
Comment: The p.K63Q variant (also known as c.187A>C), located in coding exon 2 of the RB1 gene, results from an A to C substitution at nucleotide position 187. The lysine at codon 63 is replaced by glutamine, an amino acid with similar properties. This amino acid position is conserved. In addition, the in silico prediction for this alteration is inconclusive. Based on the available evidence, the clinical significance of this variant remains unclear.